The following is an entry in ClinVar:

ClinVar aggregate classification (germline): Uncertain significance. Review status: criteria provided, multiple submitters, no conflicts (2 of 4 stars). 3 submissions from 3 submitters: Uncertain significance (3). Last evaluated 2025-10-09.

Conditions:
Colorectal cancer, susceptibility to, 1. Also called: COLORECTAL ADENOMA AND CANCER, SUSCEPTIBILITY TO; COLORECTAL CANCER, SUSCEPTIBILITY TO, ON CHROMOSOME 9. Identifiers: MedGen C1837315, MONDO:0012132, OMIM 608812.

Allele frequency attached by ClinVar (database versions not stated): gnomAD 0.00002 and 0.00003; ESP Exome Variant Server 0.00008; ExAC 0.00001; gnomAD exomes 0.00001 and 0.00002; TOPMed 0.00003.
gnomAD v4.1: 33 of 1,613,974 alleles (0.002%); highest among the groups gnomAD compares: Non-Finnish European, 0.0026%; no homozygotes.

Submissions (3):

Ambry Genetics
Classification: Uncertain significance. Last evaluated: 2025-10-09. Review status: criteria provided, single submitter. Criteria: Ambry Variant Classification Scheme 2023. Collection method: clinical testing. Allele origin: germline.
Comment: The p.H437R variant (also known as c.1310A>G), located in coding exon 7 of the GALNT12 gene, results from an A to G substitution at nucleotide position 1310. The histidine at codon 437 is replaced by arginine, an amino acid with highly similar properties. This amino acid position is well conserved in available vertebrate species. In addition, this alteration is predicted to be tolerated by in silico analysis. The evidence for this gene-disease relationship is limited; therefore, the clinical significance of this alteration is unclear.

Labcorp Genetics (formerly Invitae), Labcorp
Classification: Uncertain significance. Last evaluated: 2025-08-20. Review status: criteria provided, single submitter. Criteria: Invitae Variant Classification Sherloc (09022015). Collection method: clinical testing. Allele origin: germline.
Comment: This sequence change replaces histidine, which is basic and polar, with arginine, which is basic and polar, at codon 437 of the GALNT12 protein (p.His437Arg). This variant is present in population databases (rs139208509, gnomAD 0.003%). This variant has not been reported in the literature in individuals affected with GALNT12-related conditions. ClinVar contains an entry for this variant (Variation ID: 818868). Invitae Evidence Modeling of protein sequence and biophysical properties (such as structural, functional, and spatial information, amino acid conservation, physicochemical variation, residue mobility, and thermodynamic stability) indicates that this missense variant is not expected to disrupt GALNT12 protein function with a negative predictive value of 80%. In summary, the available evidence is currently insufficient to determine the role of this variant in disease. Therefore, it has been classified as a Variant of Uncertain Significance.

Baylor Genetics
Classification: Uncertain significance for Colorectal cancer, susceptibility to, 1. Last evaluated: 2023-12-15. Review status: criteria provided, single submitter. Criteria: ACMG Guidelines, 2015. Collection method: clinical testing. Allele origin: unknown.

NM_024642.5(GALNT12):c.1310A>G (p.His437Arg)

Gene: GALNT12 (polypeptide N-acetylgalactosaminyltransferase 12; plus strand). Cytogenetic location: 9q22.33.
Variant type: single nucleotide variant.
Coding change: c.1310A>G on transcript NM_024642.5 (MANE Select); coding-DNA position 1310, A replaced by G.
Protein change: p.His437Arg; replaces histidine 437 with arginine.
Molecular consequence: missense variant.
Genome position (GRCh38, 1-based): chr9:98,840,099, A>G. VCF-style: chr9-98840099-A-G. GRCh37 (hg19) VCF-style: chr9-101602381-A-G.
Other names: short protein forms H437R.
Identifiers: ClinVar variation 818868 (VCV000818868.9), dbSNP rs139208509, ClinGen allele CA5154227.